The following is an entry in ClinVar:

NM_133497.4(KCNV2):c.1162C>G (p.Leu388Val)

Gene: KCNV2 (potassium voltage-gated channel modifier subfamily V member 2; plus strand). Cytogenetic location: 9p24.2.
Variant type: single nucleotide variant.
Coding change: c.1162C>G on transcript NM_133497.4 (MANE Select); coding-DNA position 1162, C replaced by G.
Protein change: p.Leu388Val; replaces leucine 388 with valine.
Molecular consequence: missense variant.
Genome position (GRCh38, 1-based): chr9:2,718,901, C>G. VCF-style: chr9-2718901-C-G. GRCh37 (hg19) VCF-style: chr9-2718901-C-G.
Other names: c.1162C>G (NM_133497.3); short protein forms L388V.
Identifiers: ClinVar variation 1284705 (VCV001284705.14), dbSNP rs748514014, ClinGen allele CA4965798.

ClinVar aggregate classification (germline): Uncertain significance. Review status: criteria provided, multiple submitters, no conflicts (2 of 4 stars). 6 submissions from 6 submitters: Uncertain significance (4). 2 of the submissions do not count toward it. Last evaluated 2026-05-06.

Conditions:
KCNV2-related disorder. Also called: KCNV2-related condition.
Inborn genetic diseases. Identifiers: MedGen C0950123, MeSH D030342.

Allele frequency attached by ClinVar (database versions not stated): TOPMed below 0.00001; gnomAD 0.00003; gnomAD exomes 0.00004 and 0.00007; ExAC 0.00007; 1000 Genomes Project 30x 0.00031.
gnomAD v4.1: 62 of 1,608,990 alleles (0.0039%); highest among the groups gnomAD compares: South Asian, 0.06%; no homozygotes.

Submissions (6):

Ambry Genetics
Classification: Uncertain significance for Inborn genetic diseases. Last evaluated: 2026-05-06. Review status: criteria provided, single submitter. Criteria: Ambry Variant Classification Scheme 2023. Collection method: clinical testing. Allele origin: germline.

Labcorp Genetics (formerly Invitae), Labcorp
Classification: Uncertain significance. Last evaluated: 2025-01-06. Review status: criteria provided, single submitter. Criteria: Invitae Variant Classification Sherloc (09022015). Collection method: clinical testing. Allele origin: germline.
Comment: This sequence change replaces leucine, which is neutral and non-polar, with valine, which is neutral and non-polar, at codon 388 of the KCNV2 protein (p.Leu388Val). This variant is present in population databases (rs748514014, gnomAD 0.06%). This variant has not been reported in the literature in individuals affected with KCNV2-related conditions. ClinVar contains an entry for this variant (Variation ID: 1284705). Invitae Evidence Modeling of protein sequence and biophysical properties (such as structural, functional, and spatial information, amino acid conservation, physicochemical variation, residue mobility, and thermodynamic stability) has been performed for this missense variant. However, the output from this modeling did not meet the statistical confidence thresholds required to predict the impact of this variant on KCNV2 protein function. In summary, the available evidence is currently insufficient to determine the role of this variant in disease. Therefore, it has been classified as a Variant of Uncertain Significance.

PreventionGenetics, part of Exact Sciences
Classification: Uncertain significance for KCNV2-related condition. Last evaluated: 2024-11-06. Review status: criteria provided, single submitter. Criteria: ACMG Guidelines, 2015. Collection method: clinical testing. Allele origin: germline.
Comment: The KCNV2 c.1162C>G variant is predicted to result in the amino acid substitution p.Leu388Val. To our knowledge, this variant has not been reported in the literature. This variant is reported in 0.056% of alleles in individuals of South Asian descent in gnomAD. Although we suspect that this variant may be benign, at this time, the clinical significance of this variant is uncertain due to the absence of conclusive functional and genetic evidence.

Blueprint Genetics
Classification: Uncertain significance. Last evaluated: 2024-10-01. Review status: criteria provided, single submitter. Criteria: ACMG Guidelines, 2015. Collection method: clinical testing. Allele origin: germline.

Clinical Genetics DNA and cytogenetics Diagnostics Lab, Erasmus MC, Erasmus Medical Center
Classification: Uncertain significance. Review status: no assertion criteria provided. Collection method: clinical testing. Allele origin: germline. Affected: yes. Study: VKGL Data-share Consensus. Not counted in ClinVar's aggregate classification.

Clinical Genetics, Academic Medical Center
Classification: Uncertain significance. Review status: no assertion criteria provided. Collection method: clinical testing. Allele origin: germline. Affected: yes. Study: VKGL Data-share Consensus. Not counted in ClinVar's aggregate classification.